The following is an entry in ClinVar:

ClinVar aggregate classification (germline): Conflicting classifications of pathogenicity. Review status: criteria provided, conflicting classifications (1 of 4 stars). 3 submissions from 3 submitters: Uncertain significance (2); Likely benign (1). Last evaluated 2024-07-16.

Conditions:
Danon disease. Also called: ANTOPOL DISEASE; Glycogen Storage Disease Type IIb; PSEUDOGLYCOGENOSIS II; GSD IIb; LYSOSOMAL GLYCOGEN STORAGE DISEASE WITHOUT ACID MALTASE DEFICIENCY. Identifiers: Orphanet 34587, MedGen C0878677, MONDO:0010281, OMIM 300257.
Cardiovascular phenotype. Identifiers: MedGen CN230736.

Allele frequency attached by ClinVar (database versions not stated): gnomAD exomes below 0.00001; TOPMed below 0.00001; gnomAD 0.00003.
gnomAD v4.1: 5 of 1,181,975 alleles (0.00042%); highest among the groups gnomAD compares: African/African-American, 0.007%; no homozygotes.

Submissions (3):

Labcorp Genetics (formerly Invitae), Labcorp
Classification: Uncertain significance for Danon disease. Last evaluated: 2024-07-16. Review status: criteria provided, single submitter. Criteria: Invitae Variant Classification Sherloc (09022015). Collection method: clinical testing. Allele origin: germline.
Comment: This sequence change falls in intron 3 of the LAMP2 gene. It does not directly change the encoded amino acid sequence of the LAMP2 protein. It affects a nucleotide within the consensus splice site. This variant is present in population databases (no rsID available, gnomAD 0.03%). This variant has not been reported in the literature in individuals affected with LAMP2-related conditions. ClinVar contains an entry for this variant (Variation ID: 1041168). Variants that disrupt the consensus splice site are a relatively common cause of aberrant splicing (PMID: 17576681, 9536098). Algorithms developed to predict the effect of sequence changes on RNA splicing suggest that this variant is not likely to affect RNA splicing. In summary, the available evidence is currently insufficient to determine the role of this variant in disease. Therefore, it has been classified as a Variant of Uncertain Significance.

GeneDx
Classification: Likely benign. Last evaluated: 2021-06-21. Review status: criteria provided, single submitter. Criteria: GeneDx Variant Classification Process June 2021. Collection method: clinical testing. Allele origin: germline. Affected: yes.

Ambry Genetics
Classification: Uncertain significance for Cardiovascular phenotype. Last evaluated: 2021-01-26. Review status: criteria provided, single submitter. Criteria: Ambry Variant Classification Scheme 2023. Collection method: clinical testing. Allele origin: germline.
Comment: The c.398-3T>C intronic variant results from a T to C substitution 3 nucleotides upstream from coding exon 4 in the LAMP2 gene. This nucleotide position is not well conserved in available vertebrate species. In silico splice site analysis predicts that this alteration will not have any significant effect on splicing. Based on data from gnomAD, the C allele has an overall frequency of 0.004527% (1/22091) total alleles studied, with 0 hemizygotes observed. The highest observed frequency was 0.01681% (1/5948) of African/African-American alleles. Since supporting evidence is limited at this time, the clinical significance of this alteration remains unclear.

Literature cited by the submitters: PubMed 17576681 (cited by Labcorp Genetics (formerly Invitae), Labcorp); PubMed 9536098 (cited by Labcorp Genetics (formerly Invitae), Labcorp).

NM_002294.3(LAMP2):c.398-3T>C

Gene: LAMP2 (lysosome associated membrane protein 2; minus strand). Cytogenetic location: Xq24.
Variant type: single nucleotide variant.
Coding change: c.398-3T>C on transcript NM_002294.3 (MANE Select); 3 bases into the intron before coding-DNA position 398, T replaced by C.
Molecular consequence: intron variant.
Genome position (GRCh38, 1-based): chrX:120,449,131, A>G on the plus strand (T>C on the coding strand, the complement: LAMP2 is on the minus strand). VCF-style: chrX-120449131-A-G. GRCh37 (hg19) VCF-style: chrX-119582986-A-G.
Other names: c.398-3T>C (NM_001122606.1, NM_013995.2).
Identifiers: ClinVar variation 1041168 (VCV001041168.10), dbSNP rs1045629648, ClinGen allele CA335013568.